The following is an entry in ClinVar:

NM_020778.5(ALPK3):c.215C>A (p.Thr72Lys)

Gene: ALPK3 (alpha kinase 3; plus strand). Cytogenetic location: 15q25.3.
Variant type: single nucleotide variant.
Coding change: c.215C>A on transcript NM_020778.5 (MANE Select); coding-DNA position 215, C replaced by A.
Protein change: p.Thr72Lys; replaces threonine 72 with lysine.
Molecular consequence: missense variant.
Genome position (GRCh38, 1-based): chr15:84,827,516, C>A. VCF-style: chr15-84827516-C-A. GRCh37 (hg19) VCF-style: chr15-85370747-C-A.
Other names: short protein forms T72K.
Identifiers: ClinVar variation 3694091 (VCV003694091.2).

ClinVar aggregate classification (germline): Uncertain significance (1 of 4 stars; one submission).

Submission:

Labcorp Genetics (formerly Invitae), Labcorp
Classification: Uncertain significance. Last evaluated: 2024-04-29. Review status: criteria provided, single submitter. Criteria: Invitae Variant Classification Sherloc (09022015). Collection method: clinical testing. Allele origin: germline.
Comment: This sequence change replaces threonine, which is neutral and polar, with lysine, which is basic and polar, at codon 274 of the ALPK3 protein (p.Thr274Lys). This variant is not present in population databases (gnomAD no frequency). This variant has not been reported in the literature in individuals affected with ALPK3-related conditions. An algorithm developed to predict the effect of missense changes on protein structure and function (PolyPhen-2) suggests that this variant is likely to be disruptive. In summary, the available evidence is currently insufficient to determine the role of this variant in disease. Therefore, it has been classified as a Variant of Uncertain Significance.